The following is an entry in ClinVar:

NM_006514.4(SCN10A):c.1355C>T (p.Ser452Phe)

Gene: SCN10A (sodium voltage-gated channel alpha subunit 10; minus strand). Cytogenetic location: 3p22.2.
Variant type: single nucleotide variant.
Coding change: c.1355C>T on transcript NM_006514.4 (MANE Select); coding-DNA position 1355, C replaced by T.
Protein change: p.Ser452Phe; replaces serine 452 with phenylalanine.
Molecular consequence: missense variant.
Genome position (GRCh38, 1-based): chr3:38,755,894, G>A on the plus strand (C>T on the coding strand, the complement: SCN10A is on the minus strand). VCF-style: chr3-38755894-G-A. GRCh37 (hg19) VCF-style: chr3-38797385-G-A.
Other names: c.1355C>T, p.Ser452Phe (NM_001293306.2, NM_001293307.2); short protein forms S452F.
Identifiers: ClinVar variation 4979019 (VCV004979019.1).

ClinVar aggregate classification (germline): Uncertain significance (1 of 4 stars; one submission).

Conditions:
SCN10A-related disorder. Also called: SCN10A-related condition.

gnomAD v4.1: 9 of 1,614,096 alleles (0.00056%); highest among the groups gnomAD compares: Non-Finnish European, 0.00076%; 1 homozygote.

Submission:

PreventionGenetics, part of Exact Sciences
Classification: Uncertain significance for SCN10A-related condition. Last evaluated: 2026-01-21. Review status: criteria provided, single submitter. Criteria: ACMG Guidelines, 2015. Collection method: clinical testing. Allele origin: germline.
Comment: The SCN10A c.1355C>T variant is predicted to result in the amino acid substitution p.Ser452Phe. This variant has been reported as a variant of uncertain significance in an individual with sudden cardiac arrest; however, other variants in additional genes were also reported (Asatryan et al. 2019. PubMed ID: 30975432). This variant has not been reported in a large population database (gnomAD), indicating this variant is rare. At this time, the clinical significance of this variant is uncertain due to the absence of conclusive functional and genetic evidence.